The following is an entry in ClinVar:

ClinVar aggregate classification (germline): Uncertain significance. Review status: criteria provided, multiple submitters, no conflicts (2 of 4 stars). 2 submissions from 2 submitters: Uncertain significance (2). Last evaluated 2026-01-26.

Conditions:
Inborn genetic diseases. Identifiers: MedGen C0950123, MeSH D030342.

Submissions (2):

Ambry Genetics
Classification: Uncertain significance for Inborn genetic diseases. Last evaluated: 2026-01-26. Review status: criteria provided, single submitter. Criteria: Ambry Variant Classification Scheme 2023. Collection method: clinical testing. Allele origin: germline.

Labcorp Genetics (formerly Invitae), Labcorp
Classification: Uncertain significance. Last evaluated: 2023-07-07. Review status: criteria provided, single submitter. Criteria: Invitae Variant Classification Sherloc (09022015). Collection method: clinical testing. Allele origin: germline.
Comment: This sequence change replaces cysteine, which is neutral and slightly polar, with arginine, which is basic and polar, at codon 323 of the LRP5 protein (p.Cys323Arg). This variant is not present in population databases (gnomAD no frequency). This variant has not been reported in the literature in individuals affected with LRP5-related conditions. ClinVar contains an entry for this variant (Variation ID: 1954106). Advanced modeling of protein sequence and biophysical properties (such as structural, functional, and spatial information, amino acid conservation, physicochemical variation, residue mobility, and thermodynamic stability) performed at Invitae indicates that this missense variant is expected to disrupt LRP5 protein function. In summary, the available evidence is currently insufficient to determine the role of this variant in disease. Therefore, it has been classified as a Variant of Uncertain Significance.

NM_002335.4(LRP5):c.967T>C (p.Cys323Arg)

Gene: LRP5 (LDL receptor related protein 5; plus strand). Cytogenetic location: 11q13.2.
Variant type: single nucleotide variant.
Coding change: c.967T>C on transcript NM_002335.4 (MANE Select); coding-DNA position 967, T replaced by C.
Protein change: p.Cys323Arg; replaces cysteine 323 with arginine.
Molecular consequence: missense variant. On other transcripts: 5 prime UTR variant (1).
Genome position (GRCh38, 1-based): chr11:68,365,654, T>C. VCF-style: chr11-68365654-T-C. GRCh37 (hg19) VCF-style: chr11-68133122-T-C.
Other names: c.967T>C (NM_002335.2); c.-799T>C (NM_001291902.2); short protein forms C323R.
Identifiers: ClinVar variation 1954106 (VCV001954106.6), dbSNP rs2496482558, ClinGen allele CA381611520.
Genomic context (GRCh38, chr11:68,365,654, plus strand): 5'-AATGGCGGCTGCTCCCACCTGTGCCTGCTGTCCCCAAGCGAGCCTTTCTACACATGCGCC[T>C]GCCCCACGGGTGTGCAGCTGCAGGACAACGGCAGGACGTGTAAGGCAGGTGAGGCGGTGG-3'
Protein context (NP_002326.2, residues 313-333): SPSEPFYTCA[Cys323Arg]PTGVQLQDNG